The following is an entry in ClinVar:

NM_000465.4(BARD1):c.2247G>A (p.Arg749=)

Gene: BARD1 (BRCA1 associated RING domain 1; minus strand). Cytogenetic location: 2q35.
Variant type: single nucleotide variant.
Coding change: c.2247G>A on transcript NM_000465.4 (MANE Select); coding-DNA position 2247, G replaced by A.
Protein change: p.Arg749=; no amino-acid change (arginine 749 retained).
Molecular consequence: synonymous variant. On other transcripts: non-coding transcript variant (3).
Genome position (GRCh38, 1-based): chr2:214,728,763, C>T on the plus strand (G>A on the coding strand, the complement: BARD1 is on the minus strand). VCF-style: chr2-214728763-C-T. GRCh37 (hg19) VCF-style: chr2-215593487-C-T.
Other names: c.2190G>A, p.Arg730= (NM_001282543.2); c.894G>A, p.Arg298= (NM_001282545.2); c.837G>A, p.Arg279= (NM_001282548.2); c.708G>A, p.Arg236= (NM_001282549.2).
Identifiers: ClinVar variation 378998 (VCV000378998.19), dbSNP rs1057520455, ClinGen allele CA16604041.

ClinVar aggregate classification (germline): Benign/Likely benign. Review status: criteria provided, multiple submitters, no conflicts (2 of 4 stars). 5 submissions from 5 submitters: Benign (1); Likely benign (4). Last evaluated 2025-07-31.

Conditions:
Hereditary cancer-predisposing syndrome. Also called: Tumor predisposition; Hereditary neoplastic syndrome; Neoplastic Syndromes, Hereditary; Hereditary Cancer Syndrome. Identifiers: Orphanet 140162, MedGen C0027672, MeSH D009386, MONDO:0015356.
Familial cancer of breast. Also called: hereditary breast carcinoma; Hereditary breast cancer; BREAST CANCER, FAMILIAL. Identifiers: Orphanet 227535, MedGen C0346153, MONDO:0016419, OMIM 114480. Disease mechanism: loss of function.

Submissions (5):

Labcorp Genetics (formerly Invitae), Labcorp
Classification: Likely benign for Familial cancer of breast. Last evaluated: 2025-07-31. Review status: criteria provided, single submitter. Criteria: Invitae Variant Classification Sherloc (09022015). Collection method: clinical testing. Allele origin: germline.

Myriad Genetics, Inc.
Classification: Benign for Familial cancer of breast. Last evaluated: 2024-07-30. Review status: criteria provided, single submitter. Criteria: Myriad Autosomal Dominant, Autosomal Recessive and X-Linked Classification Criteria (2023). Collection method: clinical testing. Allele origin: unknown.
Comment: This variant is considered benign. This variant is a silent/synonymous amino acid change and it is not expected to impact splicing.

Color Diagnostics, LLC DBA Color Health
Classification: Likely benign for Hereditary cancer-predisposing syndrome. Last evaluated: 2019-12-11. Review status: criteria provided, single submitter. Criteria: ACMG Guidelines, 2015. Collection method: clinical testing. Allele origin: germline.

Ambry Genetics
Classification: Likely benign for Hereditary cancer-predisposing syndrome. Last evaluated: 2019-02-28. Review status: criteria provided, single submitter. Criteria: Ambry Variant Classification Scheme 2023. Collection method: clinical testing. Allele origin: germline.

GeneDx
Classification: Likely benign. Last evaluated: 2016-04-26. Review status: criteria provided, single submitter. Criteria: GeneDx Variant Classification (06012015). Collection method: clinical testing. Allele origin: germline. Affected: yes.
Comment: This variant is considered likely benign or benign based on one or more of the following criteria: it is a conservative change, it occurs at a poorly conserved position in the protein, it is predicted to be benign by multiple in silico algorithms, and/or has population frequency not consistent with disease.